The following is an entry in ClinVar:

ClinVar aggregate classification (germline): Uncertain significance. Review status: criteria provided, multiple submitters, no conflicts (2 of 4 stars). 3 submissions from 3 submitters: Uncertain significance (3). Last evaluated 2025-08-18.

Conditions:
Inborn genetic diseases. Identifiers: MedGen C0950123, MeSH D030342.
Chondrodysplasia Blomstrand type (BOCD). Identifiers: Orphanet 50945, MedGen C1859148, MONDO:0008970, OMIM 215045.
Eiken syndrome (EKNS). Also called: BONE MODELING DEFECT OF HANDS AND FEET. Identifiers: Orphanet 79106, MedGen C1838779, MONDO:0010803, OMIM 600002.
Primary failure of tooth eruption. Also called: POSTERIOR OPENBITE MALOCCLUSION, FAMILIAL; DENTAL NONERUPTION; PRIMARY RETENTION OF TEETH; UNERUPTED SECOND PRIMARY MOLAR. Identifiers: Orphanet 412206, MedGen C1852222, MONDO:0007434, OMIM 125350.
Metaphyseal chondrodysplasia, Jansen type. Also called: Metaphyseal chondrodysplasia Murk Jansen type; PTH1R-Related Jansen Metaphyseal Chondrodysplasia. Identifiers: Orphanet 33067, MedGen C0265295, MONDO:0007982, OMIM 156400.

Allele frequency attached by ClinVar (database versions not stated): gnomAD exomes 0.00002; ExAC 0.00003; gnomAD 0.00003; TOPMed 0.00005; ESP Exome Variant Server 0.00008.
gnomAD v4.1: 39 of 1,614,076 alleles (0.0024%); highest among the groups gnomAD compares: Admixed American, 0.01%; no homozygotes.

Submissions (3):

Labcorp Genetics (formerly Invitae), Labcorp
Classification: Uncertain significance. Last evaluated: 2025-08-18. Review status: criteria provided, single submitter. Criteria: Invitae Variant Classification Sherloc (09022015). Collection method: clinical testing. Allele origin: germline.
Comment: This sequence change replaces alanine, which is neutral and non-polar, with threonine, which is neutral and polar, at codon 46 of the PTH1R protein (p.Ala46Thr). This variant is present in population databases (rs201320537, gnomAD 0.01%). This variant has not been reported in the literature in individuals affected with PTH1R-related conditions. ClinVar contains an entry for this variant (Variation ID: 2171817). An algorithm developed to predict the effect of missense changes on protein structure and function (PolyPhen-2) suggests that this variant is likely to be tolerated. In summary, the available evidence is currently insufficient to determine the role of this variant in disease. Therefore, it has been classified as a Variant of Uncertain Significance.

Ambry Genetics
Classification: Uncertain significance for Inborn genetic diseases. Last evaluated: 2024-07-26. Review status: criteria provided, single submitter. Criteria: Ambry Variant Classification Scheme 2023. Collection method: clinical testing. Allele origin: germline.

Fulgent Genetics
Classification: Uncertain significance for Primary failure of tooth eruption; Metaphyseal chondrodysplasia, Jansen type; Chondrodysplasia Blomstrand type; Eiken syndrome. Last evaluated: 2023-12-21. Review status: criteria provided, single submitter. Criteria: ACMG Guidelines, 2015. Collection method: clinical testing. Allele origin: germline.

NM_000316.3(PTH1R):c.136G>A (p.Ala46Thr)

Gene: PTH1R (parathyroid hormone 1 receptor; plus strand). Cytogenetic location: 3p21.31.
Variant type: single nucleotide variant.
Coding change: c.136G>A on transcript NM_000316.3 (MANE Select); coding-DNA position 136, G replaced by A.
Protein change: p.Ala46Thr; replaces alanine 46 with threonine.
Molecular consequence: missense variant.
Genome position (GRCh38, 1-based): chr3:46,893,967, G>A. VCF-style: chr3-46893967-G-A. GRCh37 (hg19) VCF-style: chr3-46935457-G-A.
Other names: c.136G>A (NM_000316.2); c.136G>A, p.Ala46Thr (NM_001184744.1); short protein forms A46T.
Identifiers: ClinVar variation 2171817 (VCV002171817.6), dbSNP rs201320537, ClinGen allele CA2359087.
Genomic context (GRCh38, chr3:46,893,967, plus strand): 5'-GTGGATGCAGATGACGTCATGACTAAAGAGGAACAGATCTTCCTGCTGCACCGTGCTCAG[G>A]CCCAGTGCGAAAAACGGCTCAAGGAGGTCCTGCAGAGGCCAGGTGGGGGTCAAAGGAAGA-3'
Protein context (NP_000307.1, residues 36-56): EQIFLLHRAQ[Ala46Thr]QCEKRLKEVL